The following is an entry in ClinVar:

ClinVar aggregate classification (germline): Uncertain significance. Review status: criteria provided, multiple submitters, no conflicts (2 of 4 stars). 2 submissions from 2 submitters: Uncertain significance (2). Last evaluated 2025-07-06.

gnomAD v4.1: 32 of 1,614,010 alleles (0.002%); highest among the groups gnomAD compares: East Asian, 0.022%; no homozygotes.

Submissions (2):

Labcorp Genetics (formerly Invitae), Labcorp
Classification: Uncertain significance. Last evaluated: 2025-07-06. Review status: criteria provided, single submitter. Criteria: Invitae Variant Classification Sherloc (09022015). Collection method: clinical testing. Allele origin: germline.
Comment: This sequence change replaces aspartic acid, which is acidic and polar, with asparagine, which is neutral and polar, at codon 1077 of the DIAPH3 protein (p.Asp1077Asn). This variant is present in population databases (rs765809400, gnomAD 0.07%), and has an allele count higher than expected for a pathogenic variant. This variant has not been reported in the literature in individuals affected with DIAPH3-related conditions. ClinVar contains an entry for this variant (Variation ID: 3271959). An algorithm developed to predict the effect of missense changes on protein structure and function (PolyPhen-2) suggests that this variant is likely to be disruptive. In summary, the available evidence is currently insufficient to determine the role of this variant in disease. Therefore, it has been classified as a Variant of Uncertain Significance.

Ambry Genetics
Classification: Uncertain significance. Last evaluated: 2024-04-01. Review status: criteria provided, single submitter. Criteria: Ambry Variant Classification Scheme 2023. Collection method: clinical testing. Allele origin: germline.

NM_001042517.2(DIAPH3):c.3229G>A (p.Asp1077Asn)

Gene: DIAPH3 (diaphanous related formin 3; minus strand). Cytogenetic location: 13q21.2.
Variant type: single nucleotide variant.
Coding change: c.3229G>A on transcript NM_001042517.2 (MANE Select); coding-DNA position 3229, G replaced by A.
Protein change: p.Asp1077Asn; replaces aspartic acid 1077 with asparagine.
Molecular consequence: missense variant.
Genome position (GRCh38, 1-based): chr13:59,774,758, C>T on the plus strand (G>A on the coding strand, the complement: DIAPH3 is on the minus strand). VCF-style: chr13-59774758-C-T. GRCh37 (hg19) VCF-style: chr13-60348892-C-T.
Other names: c.3196G>A, p.Asp1066Asn (NM_001258366.2); c.3091G>A, p.Asp1031Asn (NM_001258367.2); c.3019G>A, p.Asp1007Asn (NM_001258368.2); c.3229G>A, p.Asp1077Asn (NM_001258369.2); c.2440G>A, p.Asp814Asn (NM_030932.4); short protein forms D1031N, D1066N, D814N, D1007N, D1077N.
Identifiers: ClinVar variation 3271959 (VCV003271959.2).